The following is an entry in ClinVar:

ClinVar aggregate classification (germline): Uncertain significance. Review status: criteria provided, multiple submitters, no conflicts (2 of 4 stars). 2 submissions from 2 submitters: Uncertain significance (2). Last evaluated 2025-09-03.

Conditions:
DICER1-related tumor predisposition. Also called: DICER1 syndrome; DICER1-related pleuropulmonary blastoma cancer predisposition syndrome. Identifiers: Orphanet 284343, MedGen C3839822, MONDO:0100216.
Hereditary cancer-predisposing syndrome. Also called: Neoplastic Syndromes, Hereditary; Hereditary neoplastic syndrome; Hereditary Cancer Syndrome; Tumor predisposition. Identifiers: Orphanet 140162, MedGen C0027672, MeSH D009386, MONDO:0015356.

Submissions (2):

Labcorp Genetics (formerly Invitae), Labcorp
Classification: Uncertain significance for DICER1-related tumor predisposition. Last evaluated: 2025-09-03. Review status: criteria provided, single submitter. Criteria: Invitae Variant Classification Sherloc (09022015). Collection method: clinical testing. Allele origin: germline.
Comment: This sequence change replaces methionine, which is neutral and non-polar, with threonine, which is neutral and polar, at codon 1649 of the DICER1 protein (p.Met1649Thr). This variant is not present in population databases (gnomAD no frequency). This variant has not been reported in the literature in individuals affected with DICER1-related conditions. ClinVar contains an entry for this variant (Variation ID: 654658). Invitae Evidence Modeling of protein sequence and biophysical properties (such as structural, functional, and spatial information, amino acid conservation, physicochemical variation, residue mobility, and thermodynamic stability) has been performed for this missense variant. However, the output from this modeling did not meet the statistical confidence thresholds required to predict the impact of this variant on DICER1 protein function. In summary, the available evidence is currently insufficient to determine the role of this variant in disease. Therefore, it has been classified as a Variant of Uncertain Significance.

Ambry Genetics
Classification: Uncertain significance for Hereditary cancer-predisposing syndrome. Last evaluated: 2025-07-16. Review status: criteria provided, single submitter. Criteria: Ambry Variant Classification Scheme 2023. Collection method: clinical testing. Allele origin: germline.
Comment: The p.M1649T variant (also known as c.4946T>C), located in coding exon 22 of the DICER1 gene, results from a T to C substitution at nucleotide position 4946. The methionine at codon 1649 is replaced by threonine, an amino acid with similar properties. This amino acid position is highly conserved in available vertebrate species. In addition, this alteration is predicted to be deleterious by in silico analysis. Based on the available evidence, the clinical significance of this variant remains unclear.

NM_177438.3(DICER1):c.4946T>C (p.Met1649Thr)

Gene: DICER1 (dicer 1, ribonuclease III; minus strand). Cytogenetic location: 14q32.13.
Variant type: single nucleotide variant.
Coding change: c.4946T>C on transcript NM_177438.3 (MANE Select); coding-DNA position 4946, T replaced by C.
Protein change: p.Met1649Thr; replaces methionine 1649 with threonine.
Molecular consequence: missense variant.
Genome position (GRCh38, 1-based): chr14:95,095,974, A>G on the plus strand (T>C on the coding strand, the complement: DICER1 is on the minus strand). VCF-style: chr14-95095974-A-G. GRCh37 (hg19) VCF-style: chr14-95562311-A-G.
Other names: c.4946T>C, p.Met1649Thr (NM_001195573.1, NM_001271282.3, NM_001291628.2 and 1 more transcripts); short protein forms M1649T.
Identifiers: ClinVar variation 654658 (VCV000654658.15), dbSNP rs1595338299, ClinGen allele CA390866254.
Genomic context (GRCh38, chr14:95,095,974, plus strand): 5'-AAATTTTCAAACCCCGATATAAGGTGATTCAGTGTTTTATCTGCATCTGGATGATCAAAC[A>G]TACATCTTGGTGGAATCTTCAAACAACCATATTCCGAGTCTTTCAATACAGAAGAGCGTG-3'
Protein context (NP_803187.1, residues 1639-1659): YGCLKIPPRC[Met1649Thr]FDHPDADKTL